The following is an entry in ClinVar:

NM_014141.6(CNTNAP2):c.1745A>G (p.Glu582Gly)

Gene: CNTNAP2 (contactin associated protein 2; plus strand). Cytogenetic location: 7q35.
Variant type: single nucleotide variant.
Coding change: c.1745A>G on transcript NM_014141.6 (MANE Select); coding-DNA position 1745, A replaced by G.
Protein change: p.Glu582Gly; replaces glutamic acid 582 with glycine.
Molecular consequence: missense variant.
Genome position (GRCh38, 1-based): chr7:147,486,009, A>G. VCF-style: chr7-147486009-A-G. GRCh37 (hg19) VCF-style: chr7-147183101-A-G.
Other names: short protein forms E582G.
Identifiers: ClinVar variation 468420 (VCV000468420.12), dbSNP rs1554490561, ClinGen allele CA369925962.

ClinVar aggregate classification (germline): Uncertain significance (1 of 4 stars; one submission).

Conditions:
Cortical dysplasia-focal epilepsy syndrome (PTHSL1). Also called: Pitt-Hopkins-like syndrome 1. Identifiers: Orphanet 163681, Orphanet 221150, MedGen C2750246, MONDO:0012400, OMIM 610042.

Allele frequency attached by ClinVar (database versions not stated): gnomAD exomes 0.00001.
gnomAD v4.1: 9 of 1,614,154 alleles (0.00056%); highest among the groups gnomAD compares: Non-Finnish European, 0.00076%; no homozygotes.

Submission:

Labcorp Genetics (formerly Invitae), Labcorp
Classification: Uncertain significance for Cortical dysplasia-focal epilepsy syndrome. Last evaluated: 2019-04-22. Review status: criteria provided, single submitter. Criteria: Invitae Variant Classification Sherloc (09022015). Collection method: clinical testing. Allele origin: germline.
Comment: This sequence change replaces glutamic acid with glycine at codon 582 of the CNTNAP2 protein (p.Glu582Gly). The glutamic acid residue is weakly conserved and there is a moderate physicochemical difference between glutamic acid and glycine. This variant is not present in population databases (ExAC no frequency) and has not been reported in the literature in individuals with a CNTNAP2-related disease. Algorithms developed to predict the effect of missense changes on protein structure and function output the following: (SIFT: "Tolerated"; PolyPhen-2: "Benign"; Align-GVGD: "Class C0"). The glycine amino acid residue is found in multiple mammalian species, suggesting that this missense change does not adversely affect protein function. These predictions have not been confirmed by published functional studies. In summary, this variant is a novel missense change that is not predicted to affect protein function. There is no indication that it causes disease, but the available evidence is currently insufficient to prove that conclusively. Therefore, it has been classified as a Variant of Uncertain Significance.